The following is an entry in ClinVar:

ClinVar aggregate classification (germline): Conflicting classifications of pathogenicity. Review status: criteria provided, conflicting classifications (1 of 4 stars). 11 submissions from 11 submitters: Uncertain significance (9); Likely benign (1). 1 of the submissions does not count toward it. Last evaluated 2025-12-03.

Conditions:
Breast-ovarian cancer, familial, susceptibility to, 2 (BROVCA2). Also called: BRCA2 Hereditary Breast and Ovarian Cancer. Identifiers: Orphanet 145, MedGen C2675520, MONDO:0012933, OMIM 612555. Disease mechanism: loss of function.
Hereditary cancer-predisposing syndrome. Also called: Neoplastic Syndromes, Hereditary; Hereditary neoplastic syndrome; Hereditary Cancer Syndrome; Tumor predisposition. Identifiers: Orphanet 140162, MedGen C0027672, MeSH D009386, MONDO:0015356.
Hereditary breast ovarian cancer syndrome. Also called: Hereditary breast and/or ovarian cancer syndrome; Hereditary breast and ovarian cancer syndrome (HBOC); Breast and ovarian cancer; Hereditary breast and ovarian cancer syndrome; Hereditary breast and ovarian cancer; BRCA1- and BRCA2-Associated Hereditary Breast and Ovarian Cancer. Identifiers: Orphanet 145, MedGen C0677776, MeSH D061325, MONDO:0003582. Disease mechanism: loss of function.
Familial cancer of breast. Also called: Hereditary breast cancer; BREAST CANCER, FAMILIAL; hereditary breast carcinoma. Identifiers: Orphanet 227535, MedGen C0346153, MONDO:0016419, OMIM 114480. Disease mechanism: loss of function.

Allele frequency attached by ClinVar (database versions not stated): gnomAD exomes 0.00001; ExAC 0.00001.
gnomAD v4.1: 7 of 1,614,106 alleles (0.00043%); highest among the groups gnomAD compares: South Asian, 0.0033%; no homozygotes.

Submissions (11):

Labcorp Genetics (formerly Invitae), Labcorp
Classification: Uncertain significance for Hereditary breast ovarian cancer syndrome. Last evaluated: 2025-12-03. Review status: criteria provided, single submitter. Criteria: Invitae Variant Classification Sherloc (09022015). Collection method: clinical testing. Allele origin: germline.
Comment: This sequence change replaces glutamic acid, which is acidic and polar, with lysine, which is basic and polar, at codon 2847 of the BRCA2 protein (p.Glu2847Lys). This variant is present in population databases (rs80359108, gnomAD 0.003%). This missense change has been observed in individual(s) with endometrial cancer (PMID: 26689913). ClinVar contains an entry for this variant (Variation ID: 52616). Invitae Evidence Modeling of protein sequence and biophysical properties (such as structural, functional, and spatial information, amino acid conservation, physicochemical variation, residue mobility, and thermodynamic stability) has been performed for this missense variant. However, the output from this modeling did not meet the statistical confidence thresholds required to predict the impact of this variant on BRCA2 protein function. Experimental studies have shown that this missense change does not substantially affect BRCA2 function (PMID: 37922907). In summary, the available evidence is currently insufficient to determine the role of this variant in disease. Therefore, it has been classified as a Variant of Uncertain Significance.

Ambry Genetics
Classification: Likely benign for Hereditary cancer-predisposing syndrome. Last evaluated: 2025-03-28. Review status: criteria provided, single submitter. Criteria: Ambry Variant Classification Scheme 2023. Collection method: clinical testing. Allele origin: germline.

GeneDx
Classification: Uncertain significance. Last evaluated: 2024-12-30. Review status: criteria provided, single submitter. Criteria: GeneDx Variant Classification Process June 2021. Collection method: clinical testing. Allele origin: germline. Affected: yes.
Comment: In silico analysis indicates that this missense variant does not alter protein structure/function; Not observed at significant frequency in large population cohorts (gnomAD); Also known as 8767G>A; This variant is associated with the following publications: (PMID: 19043619, 29394989, 29884841, 35665744, 37922907, 12228710)

Baylor Genetics
Classification: Uncertain significance for Familial cancer of breast. Last evaluated: 2024-03-11. Review status: criteria provided, single submitter. Criteria: ACMG Guidelines, 2015. Collection method: clinical testing. Allele origin: unknown.

All of Us Research Program, National Institutes of Health
Classification: Uncertain significance for Breast-ovarian cancer, familial, susceptibility to, 2. Last evaluated: 2023-12-13. Review status: criteria provided, single submitter. Criteria: ACMG Guidelines, 2015. Collection method: clinical testing. Allele origin: germline. Inheritance: Autosomal dominant inheritance. Observed: 2 variant alleles, 2 heterozygotes.
Comment: This missense variant replaces glutamic acid with lysine at codon 2847 of the BRCA2 protein. Computational prediction suggests that this variant may have deleterious impact on protein structure and function (internally defined REVEL score threshold >= 0.7, PMID: 27666373). Functional studies have reported conflicting findings on variant protein function in homology-directed repair assay from loss-of-function to intermediate activities (PMID: 29394989, 29884841). Further, this variant increased sensitivity to PARP inhibitors and decreased cell viability in mouse embryonic stem cells (PMID: 37922907). This variant has been reported in an individual affected with uterine corpus endometrial carcinoma (PMID: 26689913) and also detected in an individual age 70 years or older without cancer in the FLOSSIES database. This variant has been identified in 2/251154 chromosomes in the general population by the Genome Aggregation Database (gnomAD). The available evidence is insufficient to determine the role of this variant in disease conclusively. Therefore, this variant is classified as a Variant of Uncertain Significance.

This study involves interpretation of variants in research participants for the purpose of population health screening. Participant phenotype was not available at the time of variant classification. Additional details can be found in publication PMID: 35346344, PMCID: PMC8962531

Women's Health and Genetics/Laboratory Corporation of America, LabCorp
Classification: Uncertain significance. Last evaluated: 2023-11-20. Review status: criteria provided, single submitter. Criteria: LabCorp Variant Classification Summary - May 2015. Collection method: clinical testing. Allele origin: germline.
Comment: Variant summary: BRCA2 c.8539G>A (p.Glu2847Lys) results in a conservative amino acid change located in the Tower domain (IPR015205) that is essential for appropriate binding of BRCA2 to DNA. Four of five in-silico tools predict a damaging effect of the variant on protein function. The variant allele was found at a frequency of 8e-06 in 251154 control chromosomes (gnomAD). The available data on variant occurrences in the general population are insufficient to allow any conclusion about variant significance. c.8539G>A has been reported in the literature (possibly as a somatic variant), in individuals affected with endometrial cancer and pancreatic cancer (Lu_2015, Pishaian_2017). These report(s) do not provide unequivocal conclusions about association of the variant with Hereditary Breast and Ovarian Cancer. The variant has been reported in two functional studies to have intermediate HDR activity (Guidugli_2018, Hart_2019). Six clinical diagnostic laboratories have submitted clinical-significance assessments for this variant to ClinVar after 2014 without evidence for independent evaluation. Five submitters classified the variant as VUS while one classified as likely benign. Based on the evidence outlined above, the variant was classified as uncertain significance.

Color Diagnostics, LLC DBA Color Health
Classification: Uncertain significance for Hereditary cancer-predisposing syndrome. Last evaluated: 2023-11-17. Review status: criteria provided, single submitter. Criteria: ACMG Guidelines, 2015. Collection method: clinical testing. Allele origin: germline.
Comment: This missense variant replaces glutamic acid with lysine at codon 2847 of the BRCA2 protein. Computational prediction suggests that this variant may have deleterious impact on protein structure and function (internally defined REVEL score threshold >= 0.7, PMID: 27666373). Functional studies have reported conflicting findings on variant protein function in homology-directed repair assay from loss-of-function to intermediate activities (PMID: 29394989, 29884841). Further, this variant increased sensitivity to PARP inhibitors and decreased cell viability in mouse embryonic stem cells (PMID: 37922907). This variant has been reported in an individual affected with uterine corpus endometrial carcinoma (PMID: 26689913) and also detected in an individual age 70 years or older without cancer in the FLOSSIES database. This variant has been identified in 2/251154 chromosomes in the general population by the Genome Aggregation Database (gnomAD). The available evidence is insufficient to determine the role of this variant in disease conclusively. Therefore, this variant is classified as a Variant of Uncertain Significance.

Sema4
Classification: Uncertain significance for Hereditary cancer-predisposing syndrome. Last evaluated: 2021-12-28. Review status: criteria provided, single submitter. Criteria: Sema4 Curation Guidelines. Collection method: curation. Allele origin: germline.
Comment: The BRCA2 c.8539G>A (p.E2847K) has been reported in at least one individual with endometrial cancer (PMID: 26689913). It was observed in 2/251154 chromosomes in the large and broad cohorts of the Genome Aggregation Database (PMID: 32461654). This variant has been reported in ClinVar (Variation ID 52616). In silico tools suggest the impact of the variant on protein function is deleterious, however, functional studies demonstrated that our variant has intermediate HDR activity (PMID: 29394989, 29884841). The evidence is insufficient to meet ACMG/AMP criteria for classifying the variant as benign or pathogenic. Thus, the clinical significance of this variant is currently uncertain.

Quest Diagnostics Nichols Institute San Juan Capistrano
Classification: Uncertain significance. Last evaluated: 2016-12-29. Review status: criteria provided, single submitter. Criteria: Quest Diagnostics criteria. Collection method: clinical testing. Allele origin: germline.

Department of Oncology, Pacific Medical College and Hospital
Classification: Uncertain significance for Hereditary cancer-predisposing syndrome; Breast-ovarian cancer, familial, susceptibility to, 2. Review status: criteria provided, single submitter. Criteria: ACMG Guidelines, 2015. Collection method: clinical testing. Allele origin: germline. Inheritance: Autosomal dominant inheritance. Affected: yes. Observed: 1 variant allele, 1 heterozygote.

Breast Cancer Information Core (BIC) (BRCA2)
Classification: Uncertain significance for Breast-ovarian cancer, familial 2. Last evaluated: 2000-11-10. Review status: no assertion criteria provided. Collection method: clinical testing. Allele origin: germline. Affected: yes. Observed: 1 variant allele. Not counted in ClinVar's aggregate classification.

Literature cited by the submitters: PubMed 26689913 (cited by 6 submitters); PubMed 37922907 (cited by 3 submitters); PubMed 19043619 (cited by Ambry Genetics and Quest Diagnostics Nichols Institute San Juan Capistrano); PubMed 29394989 (cited by 5 submitters); PubMed 32444794 (cited by Ambry Genetics); PubMed 39779848 (cited by Ambry Genetics); PubMed 39779857 (cited by Ambry Genetics); PubMed 29884841 (cited by 4 submitters); PubMed 22632462 (cited by Women's Health and Genetics/Laboratory Corporation of America, LabCorp and Quest Diagnostics Nichols Institute San Juan Capistrano); PubMed 29137355 (cited by Women's Health and Genetics/Laboratory Corporation of America, LabCorp); DOI 10.1016/j.ajhg.2017.12.013 (cited by Department of Oncology, Pacific Medical College and Hospital).

NM_000059.4(BRCA2):c.8539G>A (p.Glu2847Lys)

Gene: BRCA2 (BRCA2 DNA repair associated; plus strand). Cytogenetic location: 13q13.1.
Variant type: single nucleotide variant.
Coding change: c.8539G>A on transcript NM_000059.4 (MANE Select); coding-DNA position 8539, G replaced by A.
Protein change: p.Glu2847Lys; replaces glutamic acid 2847 with lysine.
Molecular consequence: missense variant.
Genome position (GRCh38, 1-based): chr13:32,371,007, G>A. VCF-style: chr13-32371007-G-A. GRCh37 (hg19) VCF-style: chr13-32945144-G-A.
Other names: short protein forms E2847K.
Identifiers: ClinVar variation 52616 (VCV000052616.31), dbSNP rs80359108, ClinGen allele CA025700.